The following is an entry in ClinVar:

NM_030665.4(RAI1):c.4412C>T (p.Pro1471Leu)

Gene: RAI1 (retinoic acid induced 1; plus strand). Cytogenetic location: 17p11.2.
Variant type: single nucleotide variant.
Coding change: c.4412C>T on transcript NM_030665.4 (MANE Select); coding-DNA position 4412, C replaced by T.
Protein change: p.Pro1471Leu; replaces proline 1471 with leucine.
Molecular consequence: missense variant.
Genome position (GRCh38, 1-based): chr17:17,797,360, C>T. VCF-style: chr17-17797360-C-T. GRCh37 (hg19) VCF-style: chr17-17700674-C-T.
Other names: c.4412C>T (NM_030665.3); short protein forms P1471L.
Identifiers: ClinVar variation 1437149 (VCV001437149.9), dbSNP rs530301043, ClinGen allele CA8418956.

ClinVar aggregate classification (germline): Benign/Likely benign. Review status: criteria provided, multiple submitters, no conflicts (2 of 4 stars). 3 submissions from 3 submitters: Benign (1); Likely benign (1). 1 of the submissions does not count toward it. Last evaluated 2025-07-22.

Conditions:
Inborn genetic diseases. Identifiers: MedGen C0950123, MeSH D030342.
RAI1-related disorder. Also called: RAI1-related condition.

Allele frequency attached by ClinVar (database versions not stated): gnomAD 0.00001 and 0.00003; TOPMed 0.00003; 1000 Genomes Project 30x 0.00031; 1000 Genomes Project 0.00040.
gnomAD v4.1: 41 of 1,612,390 alleles (0.0025%); highest among the groups gnomAD compares: East Asian, 0.016%; no homozygotes.

Submissions (3):

Ambry Genetics
Classification: Likely benign for Inborn genetic diseases. Last evaluated: 2025-07-22. Review status: criteria provided, single submitter. Criteria: Ambry Variant Classification Scheme 2023. Collection method: clinical testing. Allele origin: germline.

Labcorp Genetics (formerly Invitae), Labcorp
Classification: Benign. Last evaluated: 2025-03-10. Review status: criteria provided, single submitter. Criteria: Invitae Variant Classification Sherloc (09022015). Collection method: clinical testing. Allele origin: germline.

PreventionGenetics, part of Exact Sciences
Classification: Likely benign for RAI1-related condition. Last evaluated: 2023-08-09. Review status: no assertion criteria provided. Collection method: clinical testing. Allele origin: germline. Not counted in ClinVar's aggregate classification.
Comment: This variant is classified as likely benign based on ACMG/AMP sequence variant interpretation guidelines (Richards et al. 2015 PMID: 25741868, with internal and published modifications).